The following is an entry in ClinVar:

ClinVar aggregate classification (germline): Likely pathogenic (1 of 4 stars; one submission).

Submission:

Labcorp Genetics (formerly Invitae), Labcorp
Classification: Likely pathogenic. Last evaluated: 2022-01-18. Review status: criteria provided, single submitter. Criteria: Invitae Variant Classification Sherloc (09022015). Collection method: clinical testing. Allele origin: germline.
Comment: Advanced modeling of protein sequence and biophysical properties (such as structural, functional, and spatial information, amino acid conservation, physicochemical variation, residue mobility, and thermodynamic stability) performed at Invitae indicates that this missense variant is expected to disrupt GJB2 protein function. This variant disrupts the p.Ser199 amino acid residue in GJB2. Other variant(s) that disrupt this residue have been determined to be pathogenic (PMID: 15365987, 19027181, 20863150, 23967136). This suggests that this residue is clinically significant, and that variants that disrupt this residue are likely to be disease-causing. In summary, the currently available evidence indicates that the variant is pathogenic, but additional data are needed to prove that conclusively. Therefore, this variant has been classified as Likely Pathogenic. This variant has not been reported in the literature in individuals affected with GJB2-related conditions. This sequence change replaces serine, which is neutral and polar, with alanine, which is neutral and non-polar, at codon 199 of the GJB2 protein (p.Ser199Ala). This variant is not present in population databases (gnomAD no frequency).

Literature cited by the submitters: PubMed 15365987; PubMed 19027181; PubMed 20863150; PubMed 23967136.

NM_004004.6(GJB2):c.595T>G (p.Ser199Ala)

Gene: GJB2 (gap junction protein beta 2; minus strand). Cytogenetic location: 13q12.11.
Variant type: single nucleotide variant.
Coding change: c.595T>G on transcript NM_004004.6 (MANE Select); coding-DNA position 595, T replaced by G.
Protein change: p.Ser199Ala; replaces serine 199 with alanine.
Molecular consequence: missense variant.
Genome position (GRCh38, 1-based): chr13:20,188,987, A>C on the plus strand (T>G on the coding strand, the complement: GJB2 is on the minus strand). VCF-style: chr13-20188987-A-C. GRCh37 (hg19) VCF-style: chr13-20763126-A-C.
Other names: short protein forms S199A.
Identifiers: ClinVar variation 2087433 (VCV002087433.4), dbSNP rs2500249364, ClinGen allele CA387460831.
Genomic context (GRCh38, chr13:20,188,987, plus strand): 5'-AACAATATCTAATTAGCAAATAACACAATTCAGTGACATTCAGCAGGATGCAAATTCCAG[A>C]CACTGCAATCATGAACACTGTGAAGACAGTCTTCTCCGTGGGCCGGGACACAAAGCAGTC-3'
Protein context (NP_003995.2, residues 189-209): TVFTVFMIAV[Ser199Ala]GICILLNVTE